The following is an entry in ClinVar:

ClinVar aggregate classification (germline): Uncertain significance (1 of 4 stars; one submission).

Conditions:
Polyhydramnios, megalencephaly, and symptomatic epilepsy (PMSE). Also called: PMSE SYNDROME. Identifiers: Orphanet 500533, MedGen C1970203, MONDO:0012611, OMIM 611087.

Allele frequency attached by ClinVar (database versions not stated): gnomAD exomes below 0.00001; gnomAD 0.00001.
gnomAD v4.1: 5 of 1,612,720 alleles (0.00031%); highest among the groups gnomAD compares: Non-Finnish European, 0.00042%; no homozygotes.

Submission:

Labcorp Genetics (formerly Invitae), Labcorp
Classification: Uncertain significance for Polyhydramnios, megalencephaly, and symptomatic epilepsy. Last evaluated: 2021-09-01. Review status: criteria provided, single submitter. Criteria: Invitae Variant Classification Sherloc (09022015). Collection method: clinical testing. Allele origin: germline.
Comment: This sequence change replaces proline with serine at codon 283 of the STRADA protein (p.Pro283Ser). The proline residue is moderately conserved and there is a moderate physicochemical difference between proline and serine. This variant is not present in population databases (ExAC no frequency). This variant has not been reported in the literature in individuals affected with STRADA-related conditions. Algorithms developed to predict the effect of missense changes on protein structure and function are either unavailable or do not agree on the potential impact of this missense change (SIFT: "Tolerated"; PolyPhen-2: "Probably Damaging"; Align-GVGD: "Class C0"). In summary, the available evidence is currently insufficient to determine the role of this variant in disease. Therefore, it has been classified as a Variant of Uncertain Significance.

NM_001003787.4(STRADA):c.847C>T (p.Pro283Ser)

Gene: STRADA (STE20 related adaptor alpha; minus strand). Cytogenetic location: 17q23.3.
Variant type: single nucleotide variant.
Coding change: c.847C>T on transcript NM_001003787.4 (MANE Select); coding-DNA position 847, C replaced by T.
Protein change: p.Pro283Ser; replaces proline 283 with serine.
Molecular consequence: missense variant. On other transcripts: non-coding transcript variant (1).
Genome position (GRCh38, 1-based): chr17:63,706,646, G>A on the plus strand (C>T on the coding strand, the complement: STRADA is on the minus strand). VCF-style: chr17-63706646-G-A. GRCh37 (hg19) VCF-style: chr17-61784006-G-A.
Other names: c.736C>T, p.Pro246Ser (NM_001003786.3, NM_001363789.1, NM_153335.6); c.673C>T, p.Pro225Ser (NM_001003788.3, NM_001363790.1, NM_001363791.1); c.760C>T, p.Pro254Ser (NM_001165969.2, NM_001363787.1); c.715C>T, p.Pro239Ser (NM_001165970.2); c.823C>T, p.Pro275Ser (NM_001363786.1); c.847C>T, p.Pro283Ser (NM_001363788.1); short protein forms P225S, P239S, P254S, P275S, P246S, P283S.
Identifiers: ClinVar variation 1500375 (VCV001500375.5), dbSNP rs868651797, ClinGen allele CA292942914.